The following is an entry in ClinVar:

ClinVar aggregate classification (germline): Benign. Review status: criteria provided, multiple submitters, no conflicts (2 of 4 stars). 2 submissions from 2 submitters: Benign (2). Last evaluated 2018-06-14.

Allele frequency attached by ClinVar (database versions not stated): 1000 Genomes Project 0.07248; TOPMed 0.07762; 1000 Genomes Project 30x 0.07901; gnomAD 0.07980 and 0.08013.
gnomAD v4.1: 59,784 of 804,712 alleles (7.4%); highest among the groups gnomAD compares: South Asian, 13%; 2,752 homozygotes.

Submissions (2):

GeneDx
Classification: Benign. Last evaluated: 2018-06-14. Review status: criteria provided, single submitter. Criteria: GeneDx Variant Classification (06012015). Collection method: clinical testing. Allele origin: germline. Affected: yes.
Comment: This variant is considered likely benign or benign based on one or more of the following criteria: it is a conservative change, it occurs at a poorly conserved position in the protein, it is predicted to be benign by multiple in silico algorithms, and/or has population frequency not consistent with disease.

Breakthrough Genomics
Classification: Benign. Review status: criteria provided, single submitter. Criteria: ACMG Guidelines, 2015. Collection method: not provided. Allele origin: germline. Inheritance: Autosomal dominant inheritance. Affected: yes.

NM_004519.4(KCNQ3):c.1236-134C>T

Gene: KCNQ3 (potassium voltage-gated channel subfamily Q member 3; minus strand). Cytogenetic location: 8q24.22.
Variant type: single nucleotide variant.
Coding change: c.1236-134C>T on transcript NM_004519.4 (MANE Select); 134 bases into the intron before coding-DNA position 1236, C replaced by T.
Molecular consequence: intron variant.
Genome position (GRCh38, 1-based): chr8:132,163,628, G>A on the plus strand (C>T on the coding strand, the complement: KCNQ3 is on the minus strand). VCF-style: chr8-132163628-G-A. GRCh37 (hg19) VCF-style: chr8-133175875-G-A.
Other names: c.876-134C>T (NM_001204824.2).
Identifiers: ClinVar variation 682070 (VCV000682070.2), dbSNP rs73355088, ClinGen allele CA12886525.